The following is an entry in ClinVar:

ClinVar aggregate classification (germline): Likely benign (1 of 4 stars; one submission).

Conditions:
EPHX1-related disorder. Also called: EPHX1-related condition.

gnomAD v4.1: 241 of 1,613,784 alleles (0.015%); highest among the groups gnomAD compares: East Asian, 0.51%; no homozygotes.

Submission:

PreventionGenetics, part of Exact Sciences
Classification: Likely benign for EPHX1-related condition. Last evaluated: 2026-05-21. Review status: criteria provided, single submitter. Criteria: ACMG Guidelines, 2015. Collection method: clinical testing. Allele origin: germline.
Comment: This variant is classified as likely benign based on ACMG/AMP sequence variant interpretation guidelines (Richards et al. 2015 PMID: 25741868, with internal and published modifications).

NM_001136018.4(EPHX1):c.30G>A (p.Val10=)

Gene: EPHX1 (epoxide hydrolase 1; plus strand). Cytogenetic location: 1q42.12.
Variant type: single nucleotide variant.
Coding change: c.30G>A on transcript NM_001136018.4 (MANE Select); coding-DNA position 30, G replaced by A.
Protein change: p.Val10=; no amino-acid change (valine 10 retained).
Molecular consequence: synonymous variant. On other transcripts: non-coding transcript variant (4).
Genome position (GRCh38, 1-based): chr1:225,828,759, G>A. VCF-style: chr1-225828759-G-A. GRCh37 (hg19) VCF-style: chr1-226016460-G-A.
Other names: c.30G>A, p.Val10= (NM_000120.4, NM_001291163.2, NM_001378426.1 and 6 more transcripts).
Identifiers: ClinVar variation 4982391 (VCV004982391.1).